The following is an entry in ClinVar:

ClinVar aggregate classification (germline): Conflicting classifications of pathogenicity. Review status: criteria provided, conflicting classifications (1 of 4 stars). 17 submissions from 17 submitters: Uncertain significance (11); Likely benign (2). 4 of the submissions do not count toward it. Last evaluated 2026-09-14.

Conditions:
ATM-related cancer predisposition. Also called: ATM-related cancer susceptibility. Identifiers: MedGen CN377759, MONDO:0700270.
ATM-related disorder. Also called: ATM-related disorders; ATM-related condition.
Familial cancer of breast. Also called: hereditary breast carcinoma; BREAST CANCER, FAMILIAL; Hereditary breast cancer. Identifiers: Orphanet 227535, MedGen C0346153, MONDO:0016419, OMIM 114480. Disease mechanism: loss of function.
Ataxia-telangiectasia syndrome (AT). Also called: LOUIS-BAR SYNDROME; ATAXIA-TELANGIECTASIA, COMPLEMENTATION GROUP A; ATAXIA-TELANGIECTASIA, FRESNO VARIANT; Ataxia-telangiectasia; Ataxia telangiectasia (A-T); Ataxia-telangiectasia, complementation group D. Identifiers: Orphanet 100, MedGen C0004135, MONDO:0008840, OMIM 208900.
Hereditary cancer-predisposing syndrome. Also called: Hereditary neoplastic syndrome; Neoplastic Syndromes, Hereditary; Tumor predisposition; Hereditary Cancer Syndrome. Identifiers: Orphanet 140162, MedGen C0027672, MeSH D009386, MONDO:0015356.
Malignant tumor of breast. Also called: Malignant breast neoplasm; Cancer breast. Identifiers: MedGen C0006142, MONDO:0007254. Disease mechanism: loss of function.

Allele frequency attached by ClinVar (database versions not stated): ExAC 0.00002; gnomAD exomes 0.00002 and 0.00005; gnomAD 0.00003; TOPMed 0.00003; ESP Exome Variant Server 0.00008.
gnomAD v4.1: 77 of 1,614,032 alleles (0.0048%); highest among the groups gnomAD compares: Admixed American, 0.0083%; no homozygotes.

Submissions 1 to 13 of 17:

Hema, HEMA – Genetic and Molecular Diagnostic Laboratory
Classification: Uncertain significance for ATM-related cancer predisposition. Last evaluated: 2026-09-14. Review status: criteria provided, single submitter. Criteria: HEMA Variant Classification Assertion Criteria. Collection method: clinical testing. Allele origin: germline.
Comment: It is a transversion from guanine to thymine, resulting in the substitution of tryptophan 488 by cysteine in the ATM protein. It is a missense variant present in gnomAD at an intermediate frequency, which does not allow the application of frequency criteria. Additionally, the score from the metapredictor REVEL is inconclusive. Therefore, due to the lack of further information, this variant is classified as a variant of uncertain significance.

Labcorp Genetics (formerly Invitae), Labcorp
Classification: Likely benign for Ataxia-telangiectasia syndrome. Last evaluated: 2025-12-28. Review status: criteria provided, single submitter. Criteria: Invitae Variant Classification Sherloc (09022015). Collection method: clinical testing. Allele origin: germline.

Color Diagnostics, LLC DBA Color Health
Classification: Uncertain significance for Hereditary cancer-predisposing syndrome. Last evaluated: 2025-11-19. Review status: criteria provided, single submitter. Criteria: ACMG Guidelines, 2015. Collection method: clinical testing. Allele origin: germline.
Comment: This missense variant replaces tryptophan with cysteine at codon 488 of the ATM protein. Computational prediction suggests that this variant may have deleterious impact on protein structure and function. To our knowledge, functional studies have not been reported for this variant. This variant has been reported in individuals affected with breast cancer, and prostate cancer, as well as in unaffected controls (PMID: 19781682, 24549055, 25318351, 26787654, 27913932, 28779002, 30287823, 30303537, 33436325, 33471991, 34326862). This variant has been identified in 77/1614032 chromosomes in the general population by the Genome Aggregation Database (gnomAD). The available evidence is insufficient to determine the role of this variant in disease conclusively. Therefore, this variant is classified as a Variant of Uncertain Significance.

PreventionGenetics, part of Exact Sciences
Classification: Uncertain significance for ATM-related condition. Last evaluated: 2025-11-18. Review status: criteria provided, single submitter. Criteria: ACMG Guidelines, 2015. Collection method: clinical testing. Allele origin: germline.
Comment: The ATM c.1464G>T variant is predicted to result in the amino acid substitution p.Trp488Cys. This variant has been reported in individuals with breast and/or ovarian cancer (see, for example, Table S1, Castéra et al 2014. PubMed ID: 24549055; Supplementary Table S3, Girard et al 2018. PubMed ID: 30303537; Supplementary Table 1, Tavera-Tapia et al. 2017. PubMed ID: 27913932) as well as in individuals with prostate cancer (Supplementary Table 4, Karlsson et al 2021. PubMed ID: 33436325). It has also been reported in a control individual (Tavtigian et al. 2009. PubMed ID: 19781682). This variant is reported in 0.0056% of alleles in individuals of Latino descent in gnomAD. This variant has conflicting interpretations of pathogenicity in ClinVar ranging from uncertain to likely benign (Variation ID: 142433). At this time, the clinical significance of this variant is uncertain due to the absence of conclusive functional and genetic evidence.

Ambry Genetics
Classification: Likely benign for Hereditary cancer-predisposing syndrome. Last evaluated: 2025-06-16. Review status: criteria provided, single submitter. Criteria: Ambry Variant Classification Scheme 2023. Collection method: clinical testing. Allele origin: germline.

GeneDx
Classification: Uncertain significance. Last evaluated: 2025-05-02. Review status: criteria provided, single submitter. Criteria: GeneDx Variant Classification Process June 2021. Collection method: clinical testing. Allele origin: germline. Affected: yes.
Comment: Observed in individuals with a personal or family history including breast and other cancers (PMID: 24549055, 25318351, 27913932, 28779002, 30287823, 29665859, 33436325, 34326862); In silico analysis supports that this missense variant has a deleterious effect on protein structure/function; Not observed at significant frequency in large population cohorts (gnomAD); This variant is associated with the following publications: (PMID: 25318351, 27913932, Carpenter2024[computational], 30303537, 24549055, 19781682, 26787654, 28779002, 29665859, 3030537, 30287823, 33436325, 33471991, 34326862, 36243179)

Blueprint Genetics
Classification: Uncertain significance. Last evaluated: 2024-10-29. Review status: criteria provided, single submitter. Criteria: ACMG Guidelines, 2015. Collection method: clinical testing. Allele origin: germline.

Molecular Pathology, Peter Maccallum Cancer Centre
Classification: Uncertain significance for Ataxia-telangiectasia syndrome. Last evaluated: 2024-05-06. Review status: criteria provided, single submitter. Criteria: ACMG Guidelines, 2015. Collection method: clinical testing. Allele origin: germline. Inheritance: Autosomal recessive inheritance.

Baylor Genetics
Classification: Uncertain significance for Familial cancer of breast. Last evaluated: 2024-01-15. Review status: criteria provided, single submitter. Criteria: ACMG Guidelines, 2015. Collection method: clinical testing. Allele origin: unknown.

Sema4
Classification: Uncertain significance for Hereditary cancer-predisposing syndrome. Last evaluated: 2022-01-01. Review status: criteria provided, single submitter. Criteria: Sema4 Curation Guidelines. Collection method: curation. Allele origin: germline.
Comment: The ATM c.1464G>T (p.W488C) variant has been reported in heterozygosity in numerous individuals with breast cancer (PMID: 24549055, 30303537, 30287823, 29665859, 27913932, 27913932, 33471991). This variant was reported in 10/60466 cases and 4/53461 controls large case-control study of breast cancer (PMID: 33471991). This variant was observed in 2/35428 chromosomes in the Latino subpopulation according to the Genome Aggregation Database (PMID: 32461654). This variant has been reported in ClinVar (Variation ID: 142433). In silico tools suggest the impact of the variant on protein function is deleterious, though these predictions have not been confirmed by functional studies. The evidence is insufficient to meet ACMG/AMP criteria for classifying the variant as benign or pathogenic. Thus, the clinical significance of this variant is currently uncertain.

Women's Health and Genetics/Laboratory Corporation of America, LabCorp
Classification: Uncertain significance. Last evaluated: 2020-05-26. Review status: criteria provided, single submitter. Criteria: LabCorp Variant Classification Summary - May 2015. Collection method: clinical testing. Allele origin: germline.
Comment: Variant summary: ATM c.1464G>T (p.Trp488Cys) results in a non-conservative amino acid change in the encoded protein sequence. Three of five in-silico tools predict a benign effect of the variant on protein function. The variant allele was found at a frequency of 1.6e-05 in 251336 control chromosomes. The available data on variant occurrences in the general population are insufficient to allow any conclusion about variant significance. c.1464G>T has been reported in the literature in sequencing studies of individuals affected with Breast and other types of cancer (example, Castera_2014, Yorczyk_2015, Young_2016, Tavera-Tapia_2017, Renault_2018, Momozawa_2018, Girard_2019). These report(s) do not provide unequivocal conclusions about association of the variant with Breast Cancer. To our knowledge, no experimental evidence demonstrating an impact on protein function has been reported. Five clinical diagnostic laboratories have submitted clinical-significance assessments for this variant to ClinVar after 2014 without evidence for independent evaluation. Multiple laboratories reported the variant with conflicting assessments (VUS, n=3; likely benign, n=2). Based on the evidence outlined above, the variant was classified as uncertain significance.

Genetic Services Laboratory, University of Chicago
Classification: Uncertain significance. Last evaluated: 2019-08-26. Review status: criteria provided, single submitter. Criteria: ACMG Guidelines, 2015. Collection method: clinical testing. Allele origin: germline. Affected: no.

Fulgent Genetics
Classification: Uncertain significance for Familial cancer of breast; Ataxia-telangiectasia syndrome. Last evaluated: 2017-05-23. Review status: criteria provided, single submitter. Criteria: ACMG Guidelines, 2015. Collection method: clinical testing. Allele origin: unknown.

NM_000051.4(ATM):c.1464G>T (p.Trp488Cys)

Gene: ATM (ATM serine/threonine kinase; plus strand). Cytogenetic location: 11q22.3.
Variant type: single nucleotide variant.
Coding change: c.1464G>T on transcript NM_000051.4 (MANE Select); coding-DNA position 1464, G replaced by T.
Protein change: p.Trp488Cys; replaces tryptophan 488 with cysteine.
Molecular consequence: missense variant.
Genome position (GRCh38, 1-based): chr11:108,250,929, G>T. VCF-style: chr11-108250929-G-T. GRCh37 (hg19) VCF-style: chr11-108121656-G-T.
Other names: p.W488C:TGG>TGT; c.1464G>T, p.Trp488Cys (NM_001351834.2); short protein forms W488C.
Identifiers: ClinVar variation 142433 (VCV000142433.49), dbSNP rs377597949, ClinGen allele CA294394.